The following is an entry in ClinVar:

NM_000321.3(RB1):c.500+2T>C

Gene: RB1 (RB transcriptional corepressor 1; plus strand). Cytogenetic location: 13q14.2.
Variant type: single nucleotide variant.
Coding change: c.500+2T>C on transcript NM_000321.3 (MANE Select); the canonical splice donor site of the intron after coding-DNA position 500, T replaced by C.
Molecular consequence: splice donor variant.
Genome position (GRCh38, 1-based): chr13:48,345,201, T>C. VCF-style: chr13-48345201-T-C. GRCh37 (hg19) VCF-style: chr13-48919337-T-C.
Other names: c.500+2T>C (NM_001407165.1, NM_001407166.1).
Identifiers: ClinVar variation 1472884 (VCV001472884.6), dbSNP rs2138087877, ClinGen allele CA388252870.
Genomic context (GRCh38, chr13:48,345,201, plus strand): 5'-ATGTCAAGACTGTTGAAGAAGTATGATGTATTGTTTGCACTCTTCAGCAAATTGGAAAGG[T>C]AAAGTAAACATTTTATTAGGTTTACACTCTGATTTTTTATGTCATTGTTCACAATTAGAT-3'

ClinVar aggregate classification (germline): Pathogenic (1 of 4 stars; one submission).

Conditions:
Retinoblastoma (RB1). Also called: RETINOBLASTOMA, SOMATIC. Identifiers: Orphanet 790, MedGen C0035335, MeSH D012175, MONDO:0008380, OMIM 180200, HP:0009919. Disease mechanism: loss of function. Inheritance: Both sporadic and heritable forms are tested..

Submission:

Labcorp Genetics (formerly Invitae), Labcorp
Classification: Pathogenic for Retinoblastoma. Last evaluated: 2024-04-29. Review status: criteria provided, single submitter. Criteria: Invitae Variant Classification Sherloc (09022015). Collection method: clinical testing. Allele origin: germline.
Comment: This sequence change affects a donor splice site in intron 4 of the RB1 gene. It is expected to disrupt RNA splicing. Variants that disrupt the donor or acceptor splice site typically lead to a loss of protein function (PMID: 16199547), and loss-of-function variants in RB1 are known to be pathogenic (PMID: 17096365). This variant is not present in population databases (gnomAD no frequency). Disruption of this splice site has been observed in individual(s) with retinoblastoma (PMID: 22084214). ClinVar contains an entry for this variant (Variation ID: 1472884). Algorithms developed to predict the effect of sequence changes on RNA splicing suggest that this variant may disrupt the consensus splice site. For these reasons, this variant has been classified as Pathogenic.

Literature cited by the submitters: PubMed 16199547; PubMed 17096365; PubMed 22084214.